The following is an entry in ClinVar:

NM_000358.3(TGFBI):c.1877A>C (p.His626Pro)

Gene: TGFBI (transforming growth factor beta induced; plus strand). Cytogenetic location: 5q31.1.
Variant type: single nucleotide variant.
Coding change: c.1877A>C on transcript NM_000358.3 (MANE Select); coding-DNA position 1877, A replaced by C.
Protein change: p.His626Pro; replaces histidine 626 with proline.
Molecular consequence: missense variant.
Genome position (GRCh38, 1-based): chr5:136,060,907, A>C. VCF-style: chr5-136060907-A-C. GRCh37 (hg19) VCF-style: chr5-135396596-A-C.
Other names: short protein forms H626P.
Identifiers: ClinVar variation 3239366 (VCV003239366.19), dbSNP rs1052006472.

ClinVar aggregate classification (germline): Pathogenic (1 of 4 stars; one submission).

Submission:

CeGaT Center for Human Genetics Tuebingen
Classification: Pathogenic. Last evaluated: 2024-05-01. Review status: criteria provided, single submitter. Criteria: CeGaT Center For Human Genetics Tuebingen Variant Classification Criteria Version 2. Collection method: clinical testing. Allele origin: germline. Affected: yes. Observed: 1 variant allele.
Comment: TGFBI: PP1:Strong, PM2, PM5, PS4:Moderate, PM6:Supporting